The following is an entry in ClinVar:

NM_001737.5(C9):c.746A>G (p.Asn249Ser)

Gene: C9 (complement C9; minus strand). Cytogenetic location: 5p13.1.
Variant type: single nucleotide variant.
Coding change: c.746A>G on transcript NM_001737.5 (MANE Select); coding-DNA position 746, A replaced by G.
Protein change: p.Asn249Ser; replaces asparagine 249 with serine.
Molecular consequence: missense variant.
Genome position (GRCh38, 1-based): chr5:39,315,899, T>C on the plus strand (A>G on the coding strand, the complement: C9 is on the minus strand). VCF-style: chr5-39315899-T-C. GRCh37 (hg19) VCF-style: chr5-39316001-T-C.
Other names: short protein forms N249S.
Identifiers: ClinVar variation 1460523 (VCV001460523.8), dbSNP rs1389438053, ClinGen allele CA359558870.

ClinVar aggregate classification (germline): Uncertain significance (1 of 4 stars; one submission).

Allele frequency attached by ClinVar (database versions not stated): gnomAD exomes below 0.00001; gnomAD 0.00001; TOPMed 0.00001.
gnomAD v4.1: 7 of 1,613,346 alleles (0.00043%); highest among the groups gnomAD compares: Middle Eastern, 0.033%; no homozygotes.

Submission:

Labcorp Genetics (formerly Invitae), Labcorp
Classification: Uncertain significance. Last evaluated: 2023-04-06. Review status: criteria provided, single submitter. Criteria: Invitae Variant Classification Sherloc (09022015). Collection method: clinical testing. Allele origin: germline.
Comment: This variant has not been reported in the literature in individuals affected with C9-related conditions. This sequence change replaces asparagine, which is neutral and polar, with serine, which is neutral and polar, at codon 249 of the C9 protein (p.Asn249Ser). This variant is not present in population databases (gnomAD no frequency). ClinVar contains an entry for this variant (Variation ID: 1460523). An algorithm developed to predict the effect of missense changes on protein structure and function (PolyPhen-2) suggests that this variant is likely to be tolerated. In summary, the available evidence is currently insufficient to determine the role of this variant in disease. Therefore, it has been classified as a Variant of Uncertain Significance.